The following is an entry in ClinVar:

NM_001136018.4(EPHX1):c.365-3C>A

Gene: EPHX1 (epoxide hydrolase 1; plus strand). Cytogenetic location: 1q42.12.
Variant type: single nucleotide variant.
Coding change: c.365-3C>A on transcript NM_001136018.4 (MANE Select); 3 bases into the intron before coding-DNA position 365, C replaced by A.
Molecular consequence: intron variant.
Genome position (GRCh38, 1-based): chr1:225,838,651, C>A. VCF-style: chr1-225838651-C-A. GRCh37 (hg19) VCF-style: chr1-226026352-C-A.
Other names: NC_000001.10:g.226026352C>A; c.365-3C>A (NM_001291163.2, NM_001378426.1, NM_001378429.1 and 3 more transcripts); c.365-566C>A (NM_001378431.1); c.365-3715C>A (NM_001378432.1); c.338-3C>A (NM_001378428.1).
Identifiers: ClinVar variation 780301 (VCV000780301.26), dbSNP rs80119745, ClinGen allele CA1418380.

ClinVar aggregate classification (germline): Benign. Review status: criteria provided, multiple submitters, no conflicts (2 of 4 stars). 2 submissions from 2 submitters: Benign (2). Last evaluated 2023-12-01.

Allele frequency attached by ClinVar (database versions not stated): gnomAD 0.00325; ESP Exome Variant Server 0.00331; TOPMed 0.00336; 1000 Genomes Project 0.00559; 1000 Genomes Project 30x 0.00640.
gnomAD v4.1: 1,007 of 1,613,460 alleles (0.062%); highest among the groups gnomAD compares: African/African-American, 1.2%; 2 homozygotes.

Submissions (7):

CeGaT Center for Human Genetics Tuebingen
Classification: Benign. Last evaluated: 2023-12-01. Review status: criteria provided, single submitter. Criteria: CeGaT Center For Human Genetics Tuebingen Variant Classification Criteria Version 2. Collection method: clinical testing. Allele origin: germline. Affected: yes. Observed: 1 variant allele.
Comment: EPHX1: BP4, BS1, BS2

Labcorp Genetics (formerly Invitae), Labcorp
Classification: Benign. Last evaluated: 2018-07-06. Review status: criteria provided, single submitter. Criteria: Invitae Variant Classification Sherloc (09022015). Collection method: clinical testing. Allele origin: germline.

Dr. Peter K. Rogan Lab, Western University
No classification provided (evidence only). Condition: Uterine corpus endometrial carcinoma. Review status: no classification provided. Collection method: in vitro. Allele origin: not applicable. Functional consequence: skipped exon. Not counted in ClinVar's aggregate classification.

Dr. Peter K. Rogan Lab, Western University
No classification provided (evidence only). Condition: Cervical cancer. Review status: no classification provided. Collection method: in vitro. Allele origin: not applicable. Functional consequence: skipped exon. Not counted in ClinVar's aggregate classification.

Dr. Peter K. Rogan Lab, Western University
No classification provided (evidence only). Condition: Cervical cancer. Review status: no classification provided. Collection method: in vitro. Allele origin: not applicable. Functional consequence: skipped exon, retained intron. Not counted in ClinVar's aggregate classification.

Dr. Peter K. Rogan Lab, Western University
No classification provided (evidence only). Condition: Cervical cancer. Review status: no classification provided. Collection method: in vitro. Allele origin: not applicable. Functional consequence: skipped exon. Not counted in ClinVar's aggregate classification.

Dr. Peter K. Rogan Lab, Western University
No classification provided (evidence only). Condition: Uterine carcinosarcoma. Review status: no classification provided. Collection method: in vitro. Allele origin: not applicable. Functional consequence: skipped exon. Not counted in ClinVar's aggregate classification.